The following is an entry in ClinVar:

NM_006941.4(SOX10):c.367G>C (p.Ala123Pro)

Genes: POLR2F (RNA polymerase II, I and III subunit F; plus strand), SOX10 (SRY-box transcription factor 10; minus strand). Cytogenetic location: 22q13.1.
Variant type: single nucleotide variant.
Coding change: c.367G>C on transcript NM_006941.4 (MANE Select); coding-DNA position 367, G replaced by C.
Protein change: p.Ala123Pro; replaces alanine 123 with proline.
Molecular consequence: missense variant. On other transcripts: intron variant (3).
Genome position (GRCh38, 1-based): chr22:37,983,418, C>G on the plus strand (G>C on the coding strand, the complement: SOX10 is on the minus strand). VCF-style: chr22-37983418-C-G. GRCh37 (hg19) VCF-style: chr22-38379425-C-G.
Other names: c.*38+11108C>G (NM_001363825.1); c.294-2736C>G (NM_001301130.2); c.293+16248C>G (NM_001301131.2); short protein forms A123P.
Identifiers: ClinVar variation 1496108 (VCV001496108.8), dbSNP rs2145777007, ClinGen allele CA411500304.

ClinVar aggregate classification (germline): Uncertain significance (1 of 4 stars; one submission).

Submission:

Labcorp Genetics (formerly Invitae), Labcorp
Classification: Uncertain significance. Last evaluated: 2021-03-25. Review status: criteria provided, single submitter. Criteria: Invitae Variant Classification Sherloc (09022015). Collection method: clinical testing. Allele origin: germline.
Comment: In summary, the available evidence is currently insufficient to determine the role of this variant in disease. Therefore, it has been classified as a Variant of Uncertain Significance. Algorithms developed to predict the effect of missense changes on protein structure and function are either unavailable or do not agree on the potential impact of this missense change (SIFT: "Deleterious"; PolyPhen-2: "Probably Damaging"; Align-GVGD: "Class C0"). This sequence change replaces alanine with proline at codon 123 of the SOX10 protein (p.Ala123Pro). The alanine residue is highly conserved and there is a small physicochemical difference between alanine and proline. This variant is not present in population databases (ExAC no frequency). This variant has not been reported in the literature in individuals with SOX10-related conditions.